The following is an entry in ClinVar:

ClinVar aggregate classification (germline): Uncertain significance. Review status: criteria provided, multiple submitters, no conflicts (2 of 4 stars). 2 submissions from 2 submitters: Uncertain significance (2). Last evaluated 2024-09-20.

Conditions:
Intellectual disability. Also called: Intellectual functioning disability; intellectual disabilities; Intellectual developmental disorder. Identifiers: MedGen C3714756, MeSH D008607, MONDO:0001071, HP:0001249.

gnomAD v4.1: 4 of 1,605,416 alleles (0.00025%); highest among the groups gnomAD compares: Non-Finnish European, 0.00034%; no homozygotes.

Submissions (2):

GeneDx
Classification: Uncertain significance. Last evaluated: 2024-09-20. Review status: criteria provided, single submitter. Criteria: GeneDx Variant Classification Process June 2021. Collection method: clinical testing. Allele origin: germline. Affected: yes.
Comment: Not observed at significant frequency in large population cohorts (gnomAD); In silico analysis indicates that this missense variant does not alter protein structure/function; Has not been previously published as pathogenic or benign to our knowledge

Cambridge Genomics Laboratory, East Genomic Laboratory Hub, NHS Genomic Medicine Service
Classification: Uncertain significance for Intellectual disability. Last evaluated: 2019-04-17. Review status: criteria provided, single submitter. Criteria: ACGS Best Practice Guidelines for Variant Classification in Rare Disease 2020. Collection method: clinical testing. Allele origin: germline. Affected: yes. Observed: 1 variant allele.

NM_001134407.3(GRIN2A):c.5G>T (p.Gly2Val)

Gene: GRIN2A (glutamate ionotropic receptor NMDA type subunit 2A; minus strand). Cytogenetic location: 16p13.2.
Variant type: single nucleotide variant.
Coding change: c.5G>T on transcript NM_001134407.3 (MANE Select); coding-DNA position 5, G replaced by T.
Protein change: p.Gly2Val; replaces glycine 2 with valine.
Molecular consequence: missense variant.
Genome position (GRCh38, 1-based): chr16:10,180,407, C>A on the plus strand (G>T on the coding strand, the complement: GRIN2A is on the minus strand). VCF-style: chr16-10180407-C-A. GRCh37 (hg19) VCF-style: chr16-10274264-C-A.
Other names: c.5G>T, p.Gly2Val (NM_000833.5, NM_001134408.2); short protein forms G2V.
Identifiers: ClinVar variation 3774239 (VCV003774239.2).
Genomic context (GRCh38, chr16:10,180,407, plus strand): 5'-GCCGGACCGCGCCAGACCAGAAGGGCCGGCAGCACCAGCAGGGTCCAATAGCCCACTCTG[C>A]CCATAGTCGCCACTGACGGTCCCTGCAAGGTGAAGAGTGAGAGGCAGGGCCGCGGTGAGC-3'
Protein context (NP_001127879.1, residues 1-12): M[Gly2Val]RVGYWTLLVL